The following is an entry in ClinVar:

NM_004656.4(BAP1):c.10G>A (p.Gly4Ser)

Gene: BAP1 (BRCA1 associated deubiquitinase 1; minus strand). Cytogenetic location: 3p21.1.
Variant type: single nucleotide variant.
Coding change: c.10G>A on transcript NM_004656.4 (MANE Select); coding-DNA position 10, G replaced by A.
Protein change: p.Gly4Ser; replaces glycine 4 with serine.
Molecular consequence: missense variant.
Genome position (GRCh38, 1-based): chr3:52,409,869, C>T on the plus strand (G>A on the coding strand, the complement: BAP1 is on the minus strand). VCF-style: chr3-52409869-C-T. GRCh37 (hg19) VCF-style: chr3-52443885-C-T.
Other names: short protein forms G4S.
Identifiers: ClinVar variation 923001 (VCV000923001.5), dbSNP rs1559593395, ClinGen allele CA353115150.

ClinVar aggregate classification (germline): Uncertain significance (1 of 4 stars; one submission).

Conditions:
Hereditary cancer-predisposing syndrome. Also called: Neoplastic Syndromes, Hereditary; Tumor predisposition; Hereditary Cancer Syndrome; Hereditary neoplastic syndrome. Identifiers: Orphanet 140162, MedGen C0027672, MeSH D009386, MONDO:0015356.

gnomAD v4.1: 1 of 1,609,930 alleles (0.000062%); highest among the groups gnomAD compares: Non-Finnish European, 0.000085%; no homozygotes.

Submission:

Color Diagnostics, LLC DBA Color Health
Classification: Uncertain significance for Hereditary cancer-predisposing syndrome. Last evaluated: 2023-12-05. Review status: criteria provided, single submitter. Criteria: ACMG Guidelines, 2015. Collection method: clinical testing. Allele origin: germline.
Comment: This missense variant replaces glycine with serine at codon 4 of the BAP1 protein. Computational prediction tools and conservation analyses are inconclusive regarding the impact of this variant on the protein function. Computational splicing tools suggest that this variant may not impact RNA splicing. To our knowledge, functional assays have not been performed for this variant nor has this variant been reported in individuals affected with hereditary cancer in the literature. This variant has not been identified in the general population by the Genome Aggregation Database (gnomAD). Available evidence is insufficient to determine the role of this variant in disease conclusively. Therefore, this variant is classified as a Variant of Uncertain Significance.